The following is an entry in ClinVar:

NM_032888.4(COL27A1):c.277G>A (p.Ala93Thr)

Gene: COL27A1 (collagen type XXVII alpha 1 chain; plus strand). Cytogenetic location: 9q32.
Variant type: single nucleotide variant.
Coding change: c.277G>A on transcript NM_032888.4 (MANE Select); coding-DNA position 277, G replaced by A.
Protein change: p.Ala93Thr; replaces alanine 93 with threonine.
Molecular consequence: missense variant.
Genome position (GRCh38, 1-based): chr9:114,167,832, G>A. VCF-style: chr9-114167832-G-A. GRCh37 (hg19) VCF-style: chr9-116930112-G-A.
Other names: short protein forms A93T.
Identifiers: ClinVar variation 2056073 (VCV002056073.3), dbSNP rs780214288, ClinGen allele CA5201097.
Genomic context (GRCh38, chr9:114,167,832, plus strand): 5'-GGCTTCATCTTTACGCAGCGGGCCCGGCTCCAGGCTCCCACGGGCACCGTCATTCCTGCC[G>A]CCTTGGGCACAGAGCTGGCACTGGTGCTGAGCCTCTGCTCCCACCGGGTGAACCATGCCT-3'
Protein context (NP_116277.2, residues 83-103): QAPTGTVIPA[Ala93Thr]LGTELALVLS

ClinVar aggregate classification (germline): Uncertain significance. Review status: criteria provided, multiple submitters, no conflicts (2 of 4 stars). 3 submissions from 3 submitters: Uncertain significance (3). Last evaluated 2025-02-11.

Conditions:
Inborn genetic diseases. Identifiers: MedGen C0950123, MeSH D030342.

Allele frequency attached by ClinVar (database versions not stated): TOPMed 0.00017; ExAC 0.00002; gnomAD 0.00011.
gnomAD v4.1: 223 of 1,613,282 alleles (0.014%); highest among the groups gnomAD compares: Admixed American, 0.027%; no homozygotes.

Submissions (3):

GeneDx
Classification: Uncertain significance. Last evaluated: 2025-02-11. Review status: criteria provided, single submitter. Criteria: GeneDx Variant Classification Process June 2021. Collection method: clinical testing. Allele origin: germline. Affected: yes.
Comment: In silico analysis supports that this missense variant does not alter protein structure/function; Has not been previously published as pathogenic or benign to our knowledge

Labcorp Genetics (formerly Invitae), Labcorp
Classification: Uncertain significance. Last evaluated: 2022-09-01. Review status: criteria provided, single submitter. Criteria: Invitae Variant Classification Sherloc (09022015). Collection method: clinical testing. Allele origin: germline.
Comment: This sequence change replaces alanine, which is neutral and non-polar, with threonine, which is neutral and polar, at codon 93 of the COL27A1 protein (p.Ala93Thr). This variant is present in population databases (rs780214288, gnomAD 0.01%). This variant has not been reported in the literature in individuals affected with COL27A1-related conditions. Advanced modeling of protein sequence and biophysical properties (such as structural, functional, and spatial information, amino acid conservation, physicochemical variation, residue mobility, and thermodynamic stability) performed at Invitae indicates that this missense variant is not expected to disrupt COL27A1 protein function. In summary, the available evidence is currently insufficient to determine the role of this variant in disease. Therefore, it has been classified as a Variant of Uncertain Significance.

Ambry Genetics
Classification: Uncertain significance for Inborn genetic diseases. Last evaluated: 2022-05-27. Review status: criteria provided, single submitter. Criteria: Ambry Variant Classification Scheme 2023. Collection method: clinical testing. Allele origin: germline.